The following is an entry in ClinVar:

NM_001134382.3(IQSEC1):c.949G>T (p.Asp317Tyr)

Gene: IQSEC1 (IQ motif and Sec7 domain ArfGEF 1; minus strand). Cytogenetic location: 3p25.2.
Variant type: single nucleotide variant.
Coding change: c.949G>T on transcript NM_001134382.3 (MANE Select); coding-DNA position 949, G replaced by T.
Protein change: p.Asp317Tyr; replaces aspartic acid 317 with tyrosine.
Molecular consequence: missense variant.
Genome position (GRCh38, 1-based): chr3:12,936,067, C>A on the plus strand (G>T on the coding strand, the complement: IQSEC1 is on the minus strand). VCF-style: chr3-12936067-C-A. GRCh37 (hg19) VCF-style: chr3-12977567-C-A.
Other names: c.625G>T, p.Asp209Tyr (NM_001330619.3); c.1273G>T, p.Asp425Tyr (NM_001376938.2); c.991G>T, p.Asp331Tyr (NM_014869.8); short protein forms D209Y, D331Y, D317Y, D425Y.
Identifiers: ClinVar variation 1030437 (VCV001030437.1), dbSNP rs1698161896, ClinGen allele CA351517164.

ClinVar aggregate classification (germline): Uncertain significance (1 of 4 stars; one submission).

Conditions:
Intellectual developmental disorder with short stature and behavioral abnormalities. Identifiers: MedGen C5231462, MONDO:0032870, OMIM 618687.

Submission:

Baylor Genetics
Classification: Uncertain significance for Intellectual developmental disorder with short stature and behavioral abnormalities. Last evaluated: 2020-05-05. Review status: criteria provided, single submitter. Criteria: ACMG Guidelines, 2015. Collection method: clinical testing. Allele origin: unknown. Affected: yes.
Comment: This variant was determined to be of uncertain significance according to ACMG Guidelines, 2015 [PMID:25741868].